The following is an entry in ClinVar:

ClinVar aggregate classification (germline): Uncertain significance (1 of 4 stars; one submission).

Conditions:
POLD1-related polyposis and colorectal cancer syndrome (CRCS10). Also called: Colorectal cancer 10; COLORECTAL CANCER, SUSCEPTIBILITY TO, ON CHROMOSOME 19q; Colorectal cancer, susceptibility to, 10. Identifiers: Orphanet 220460, MedGen C2675481, MONDO:0012953, OMIM 612591.

Allele frequency attached by ClinVar (database versions not stated): ExAC 0.00001.
gnomAD v4.1: 2 of 1,610,494 alleles (0.00012%); highest among the groups gnomAD compares: Non-Finnish European, 0.000085%; no homozygotes.

Submission:

Labcorp Genetics (formerly Invitae), Labcorp
Classification: Uncertain significance for POLD1-related polyposis and colorectal cancer syndrome. Last evaluated: 2022-09-01. Review status: criteria provided, single submitter. Criteria: Invitae Variant Classification Sherloc (09022015). Collection method: clinical testing. Allele origin: germline.
Comment: In summary, the available evidence is currently insufficient to determine the role of this variant in disease. Therefore, it has been classified as a Variant of Uncertain Significance. Algorithms developed to predict the effect of missense changes on protein structure and function (SIFT, PolyPhen-2, Align-GVGD) all suggest that this variant is likely to be tolerated. ClinVar contains an entry for this variant (Variation ID: 1005706). This variant has not been reported in the literature in individuals affected with POLD1-related conditions. The frequency data for this variant in the population databases is considered unreliable, as metrics indicate poor data quality at this position in the gnomAD database. This sequence change replaces aspartic acid, which is acidic and polar, with glutamic acid, which is acidic and polar, at codon 102 of the POLD1 protein (p.Asp102Glu).

NM_002691.4(POLD1):c.306C>A (p.Asp102Glu)

Gene: POLD1 (DNA polymerase delta 1, catalytic subunit; plus strand). Cytogenetic location: 19q13.33.
Variant type: single nucleotide variant.
Coding change: c.306C>A on transcript NM_002691.4 (MANE Select); coding-DNA position 306, C replaced by A.
Protein change: p.Asp102Glu; replaces aspartic acid 102 with glutamic acid.
Molecular consequence: missense variant. On other transcripts: non-coding transcript variant (1).
Genome position (GRCh38, 1-based): chr19:50,399,474, C>A. VCF-style: chr19-50399474-C-A. GRCh37 (hg19) VCF-style: chr19-50902731-C-A.
Other names: c.306C>A, p.Asp102Glu (NM_001308632.1, NM_001256849.1); short protein forms D102E.
Identifiers: ClinVar variation 1005706 (VCV001005706.8), dbSNP rs751896972, ClinGen allele CA9595677.